The following is an entry in ClinVar:

NM_022841.7(RFX7):c.185A>T (p.Asp62Val)

Gene: RFX7 (regulatory factor X7; minus strand). Cytogenetic location: 15q21.3.
Variant type: single nucleotide variant.
Coding change: c.185A>T on transcript NM_022841.7 (MANE Select); coding-DNA position 185, A replaced by T.
Protein change: p.Asp62Val; replaces aspartic acid 62 with valine.
Molecular consequence: missense variant. On other transcripts: 5 prime UTR variant (2), intron variant (1).
Genome position (GRCh38, 1-based): chr15:56,179,280, T>A on the plus strand (A>T on the coding strand, the complement: RFX7 is on the minus strand). VCF-style: chr15-56179280-T-A. GRCh37 (hg19) VCF-style: chr15-56471478-T-A.
Other names: c.-107A>T (NM_001368074.1, NM_001370554.1); c.185A>T, p.Asp62Val (NM_001370561.1); c.-96-34797A>T (NM_001368073.2); short protein forms D62V.
Identifiers: ClinVar variation 3369988 (VCV003369988.2).

ClinVar aggregate classification (germline): Uncertain significance (1 of 4 stars; one submission).

gnomAD v4.1: 1 of 1,291,788 alleles (0.000077%); highest among the groups gnomAD compares: Admixed American, 0.0023%; no homozygotes.

Submission:

GeneDx
Classification: Uncertain significance. Last evaluated: 2026-07-04. Review status: criteria provided, single submitter. Criteria: GeneDx Variant Classification Process June 2021. Collection method: clinical testing. Allele origin: germline.
Comment: Not observed at significant frequency in large population cohorts (gnomAD); Has not been previously published as pathogenic or benign to our knowledge; In silico analysis does not support a benign or deleterious effect of this variant on protein structure/function